The following is an entry in ClinVar:

NM_000264.5(PTCH1):c.122G>T (p.Arg41Leu)

Genes: PTCH1 (patched 1; minus strand), LOC130002133 (ATAC-STARR-seq lymphoblastoid silent region 20071; plus strand). Cytogenetic location: 9q22.32.
Variant type: single nucleotide variant.
Coding change: c.122G>T on transcript NM_000264.5 (MANE Select); coding-DNA position 122, G replaced by T.
Protein change: p.Arg41Leu; replaces arginine 41 with leucine.
Molecular consequence: missense variant. On other transcripts: non-coding transcript variant (1), intron variant (3).
Genome position (GRCh38, 1-based): chr9:95,508,240, C>A on the plus strand (G>T on the coding strand, the complement: PTCH1 is on the minus strand). VCF-style: chr9-95508240-C-A. GRCh37 (hg19) VCF-style: chr9-98270522-C-A.
Other names: c.122G>T, p.Arg41Leu (NM_001354918.2); c.199-1641G>T (NM_001083603.3); c.4-1641G>T (NM_001083602.3, NM_001354919.2); short protein forms R41L.
Identifiers: ClinVar variation 524516 (VCV000524516.11), dbSNP rs1554709493, ClinGen allele CA374121393.

ClinVar aggregate classification (germline): Uncertain significance. Review status: criteria provided, multiple submitters, no conflicts (2 of 4 stars). 2 submissions from 2 submitters: Uncertain significance (2). Last evaluated 2025-09-22.

Conditions:
Hereditary cancer-predisposing syndrome. Also called: Neoplastic Syndromes, Hereditary; Tumor predisposition; Hereditary Cancer Syndrome; Hereditary neoplastic syndrome. Identifiers: Orphanet 140162, MedGen C0027672, MeSH D009386, MONDO:0015356.
Gorlin syndrome. Also called: Nevoid Basal Cell Carcinoma Syndrome; Basal cell nevus syndrome. Identifiers: Orphanet 377, MedGen C0004779, MONDO:0007187.

Submissions (2):

Ambry Genetics
Classification: Uncertain significance for Hereditary cancer-predisposing syndrome. Last evaluated: 2025-09-22. Review status: criteria provided, single submitter. Criteria: Ambry Variant Classification Scheme 2023. Collection method: clinical testing. Allele origin: germline.
Comment: The p.R41L variant (also known as c.122G>T), located in coding exon 1 of the PTCH1 gene, results from a G to T substitution at nucleotide position 122. The arginine at codon 41 is replaced by leucine, an amino acid with dissimilar properties. This amino acid position is conserved. In addition, the in silico prediction for this alteration is inconclusive. Based on the available evidence, the clinical significance of this variant remains unclear.

Labcorp Genetics (formerly Invitae), Labcorp
Classification: Uncertain significance for Gorlin syndrome. Last evaluated: 2024-11-20. Review status: criteria provided, single submitter. Criteria: Invitae Variant Classification Sherloc (09022015). Collection method: clinical testing. Allele origin: germline.
Comment: This sequence change replaces arginine, which is basic and polar, with leucine, which is neutral and non-polar, at codon 41 of the PTCH1 protein (p.Arg41Leu). This variant is not present in population databases (gnomAD no frequency). This variant has not been reported in the literature in individuals affected with PTCH1-related conditions. ClinVar contains an entry for this variant (Variation ID: 524516). Invitae Evidence Modeling of protein sequence and biophysical properties (such as structural, functional, and spatial information, amino acid conservation, physicochemical variation, residue mobility, and thermodynamic stability) indicates that this missense variant is not expected to disrupt PTCH1 protein function with a negative predictive value of 95%. In summary, the available evidence is currently insufficient to determine the role of this variant in disease. Therefore, it has been classified as a Variant of Uncertain Significance.